The following is an entry in ClinVar:

ClinVar aggregate classification (germline): Benign. Review status: criteria provided, single submitter (1 of 4 stars). 2 submissions from 2 submitters: Benign (1). 1 of the submissions does not count toward it. Last evaluated 2026-01-15.

Conditions:
FBN3-related disorder. Also called: FBN3-related condition.

Allele frequency attached by ClinVar (database versions not stated): 1000 Genomes Project 30x 0.00312; 1000 Genomes Project 0.00339; TOPMed 0.00006; gnomAD 0.00040; ExAC 0.00441.
gnomAD v4.1: 1,067 of 1,555,888 alleles (0.069%); highest among the groups gnomAD compares: South Asian, 1.2%; 21 homozygotes.

Submissions (2):

Labcorp Genetics (formerly Invitae), Labcorp
Classification: Benign. Last evaluated: 2026-01-15. Review status: criteria provided, single submitter. Criteria: Invitae Variant Classification Sherloc (09022015). Collection method: clinical testing. Allele origin: germline.

PreventionGenetics, part of Exact Sciences
Classification: Benign for FBN3-related condition. Last evaluated: 2019-05-07. Review status: no assertion criteria provided. Collection method: clinical testing. Allele origin: germline. Not counted in ClinVar's aggregate classification.
Comment: This variant is classified as benign based on ACMG/AMP sequence variant interpretation guidelines (Richards et al. 2015 PMID: 25741868, with internal and published modifications).

NM_032447.5(FBN3):c.1713G>A (p.Met571Ile)

Gene: FBN3 (fibrillin 3; minus strand). Cytogenetic location: 19p13.2.
Variant type: single nucleotide variant.
Coding change: c.1713G>A on transcript NM_032447.5 (MANE Select); coding-DNA position 1713, G replaced by A.
Protein change: p.Met571Ile; replaces methionine 571 with isoleucine.
Molecular consequence: missense variant.
Genome position (GRCh38, 1-based): chr19:8,132,985, C>T on the plus strand (G>A on the coding strand, the complement: FBN3 is on the minus strand). VCF-style: chr19-8132985-C-T. GRCh37 (hg19) VCF-style: chr19-8197869-C-T.
Other names: c.1713G>A, p.Met571Ile (NM_001321431.2); c.1713G>A (NM_001321431.1); short protein forms M571I.
Identifiers: ClinVar variation 2086357 (VCV002086357.6), dbSNP rs368860882, ClinGen allele CA9153203.